The following is an entry in ClinVar:

NM_005859.5(PURA):c.614T>C (p.Leu205Pro)

Gene: PURA (purine rich element binding protein A; plus strand). Cytogenetic location: 5q31.3.
Variant type: single nucleotide variant.
Coding change: c.614T>C on transcript NM_005859.5 (MANE Select); coding-DNA position 614, T replaced by C.
Protein change: p.Leu205Pro; replaces leucine 205 with proline.
Molecular consequence: missense variant.
Genome position (GRCh38, 1-based): chr5:140,114,795, T>C. VCF-style: chr5-140114795-T-C. GRCh37 (hg19) VCF-style: chr5-139494380-T-C.
Other names: c.614T>C (NM_005859.4); short protein forms L205P.
Identifiers: ClinVar variation 802159 (VCV000802159.2), dbSNP rs1581036537, ClinGen allele CA361491151.
Genomic context (GRCh38, chr5:140,114,795, plus strand): 5'-GCCAGACCATTGCGCTGCCCGCGCAGGGGCTCATCGAGTTCCGTGACGCTCTGGCCAAGC[T>C]CATCGACGACTACGGAGTGGAGGAGGAGCCGGCCGAGCTGCCCGAGGGCACCTCCTTGAC-3'
Protein context (NP_005850.1, residues 195-215): LIEFRDALAK[Leu205Pro]IDDYGVEEEP

ClinVar aggregate classification (germline): Conflicting classifications of pathogenicity. Review status: criteria provided, conflicting classifications (1 of 4 stars). 2 submissions from 2 submitters: Likely pathogenic (1); Uncertain significance (1). Last evaluated 2023-07-18.

Conditions:
PURA-related severe neonatal hypotonia-seizures-encephalopathy syndrome (NEDRIHF). Also called: PURA-Related Neurodevelopmental Disorders; NEURODEVELOPMENTAL DISORDER WITH NEONATAL RESPIRATORY INSUFFICIENCY, HYPOTONIA, AND FEEDING DIFFICULTIES. Identifiers: Orphanet 438213, Orphanet 438216, MedGen C4015357, MONDO:1060108, OMIM 616158, MONDO:0018580.

Submissions (2):

GeneDx
Classification: Uncertain significance. Last evaluated: 2023-07-18. Review status: criteria provided, single submitter. Criteria: GeneDx Variant Classification Process June 2021. Collection method: clinical testing. Allele origin: germline. Affected: yes.
Comment: Not observed at significant frequency in large population cohorts (gnomAD); In silico analysis supports that this missense variant has a deleterious effect on protein structure/function; Has not been previously published as pathogenic or benign to our knowledge

Mendelics
Classification: Likely pathogenic for PURA-related severe neonatal hypotonia-seizures-encephalopathy syndrome. Last evaluated: 2019-05-28. Review status: criteria provided, single submitter. Criteria: Mendelics Assertion Criteria 2017. Collection method: clinical testing. Allele origin: unknown.